The following is an entry in ClinVar:

NM_014795.4(ZEB2):c.2878G>A (p.Gly960Arg)

Gene: ZEB2 (zinc finger E-box binding homeobox 2; minus strand). Cytogenetic location: 2q22.3.
Variant type: single nucleotide variant.
Coding change: c.2878G>A on transcript NM_014795.4 (MANE Select); coding-DNA position 2878, G replaced by A.
Protein change: p.Gly960Arg; replaces glycine 960 with arginine.
Molecular consequence: missense variant.
Genome position (GRCh38, 1-based): chr2:144,398,309, C>T on the plus strand (G>A on the coding strand, the complement: ZEB2 is on the minus strand). VCF-style: chr2-144398309-C-T. GRCh37 (hg19) VCF-style: chr2-145155876-C-T.
Other names: c.2806G>A, p.Gly936Arg (NM_001171653.2); short protein forms G960R, G936R.
Identifiers: ClinVar variation 2711639 (VCV002711639.3), dbSNP rs1384697118, ClinGen allele CA348706526.

ClinVar aggregate classification (germline): Uncertain significance (1 of 4 stars; one submission).

Conditions:
Mowat-Wilson syndrome (MOWS). Also called: Classic Mowat-Wilson Syndrome. Identifiers: Orphanet 2152, MedGen C1856113, MONDO:0009341, OMIM 235730.

Allele frequency attached by ClinVar (database versions not stated): gnomAD 0.00001; gnomAD exomes 0.00001; TOPMed 0.00001.
gnomAD v4.1: 6 of 1,613,446 alleles (0.00037%); highest among the groups gnomAD compares: African/African-American, 0.0027%; no homozygotes.

Submission:

Labcorp Genetics (formerly Invitae), Labcorp
Classification: Uncertain significance for Mowat-Wilson syndrome. Last evaluated: 2025-04-11. Review status: criteria provided, single submitter. Criteria: Invitae Variant Classification Sherloc (09022015). Collection method: clinical testing. Allele origin: germline.
Comment: This sequence change replaces glycine, which is neutral and non-polar, with arginine, which is basic and polar, at codon 960 of the ZEB2 protein (p.Gly960Arg). This variant is present in population databases (no rsID available, gnomAD 0.004%). This variant has not been reported in the literature in individuals affected with ZEB2-related conditions. ClinVar contains an entry for this variant (Variation ID: 2711639). Invitae Evidence Modeling of protein sequence and biophysical properties (such as structural, functional, and spatial information, amino acid conservation, physicochemical variation, residue mobility, and thermodynamic stability) indicates that this missense variant is not expected to disrupt ZEB2 protein function with a negative predictive value of 80%. In summary, the available evidence is currently insufficient to determine the role of this variant in disease. Therefore, it has been classified as a Variant of Uncertain Significance.